The following is an entry in ClinVar:

NM_001017975.6(HFM1):c.889A>T (p.Arg297Trp)

Gene: HFM1 (helicase for meiosis 1; minus strand). Cytogenetic location: 1p22.2.
Variant type: single nucleotide variant.
Coding change: c.889A>T on transcript NM_001017975.6 (MANE Select); coding-DNA position 889, A replaced by T.
Protein change: p.Arg297Trp; replaces arginine 297 with tryptophan.
Molecular consequence: missense variant. On other transcripts: non-coding transcript variant (1).
Genome position (GRCh38, 1-based): chr1:91,380,221, T>A on the plus strand (A>T on the coding strand, the complement: HFM1 is on the minus strand). VCF-style: chr1-91380221-T-A. GRCh37 (hg19) VCF-style: chr1-91845778-T-A.
Other names: short protein forms R297W.
Identifiers: ClinVar variation 4988077 (VCV004988077.1).

ClinVar aggregate classification (germline): Likely benign (1 of 4 stars; one submission).

Conditions:
HFM1-related disorder. Also called: HFM1-related condition.

gnomAD v4.1: 387 of 1,576,794 alleles (0.025%); highest among the groups gnomAD compares: African/African-American, 0.49%; 1 homozygote.

Submission:

PreventionGenetics, part of Exact Sciences
Classification: Likely benign for HFM1-related condition. Last evaluated: 2026-07-24. Review status: criteria provided, single submitter. Criteria: ACMG Guidelines, 2015. Collection method: clinical testing. Allele origin: germline.
Comment: This variant is classified as likely benign based on ACMG/AMP sequence variant interpretation guidelines (Richards et al. 2015 PMID: 25741868, with internal and published modifications).